The following is an entry in ClinVar:

ClinVar aggregate classification (germline): Benign. Review status: criteria provided, multiple submitters, no conflicts (2 of 4 stars). 3 submissions from 3 submitters: Benign (3). Last evaluated 2026-06-01.

Submissions (3):

CeGaT Center for Human Genetics Tuebingen
Classification: Benign. Last evaluated: 2026-06-01. Review status: criteria provided, single submitter. Criteria: CeGaT Center For Human Genetics Tuebingen Variant Classification Criteria Version 2. Collection method: clinical testing. Allele origin: germline. Affected: yes. Observed: 1 variant allele.
Comment: FOXF1: PP3, BS1, BS2

Labcorp Genetics (formerly Invitae), Labcorp
Classification: Benign. Last evaluated: 2025-10-08. Review status: criteria provided, single submitter. Criteria: Invitae Variant Classification Sherloc (09022015). Collection method: clinical testing. Allele origin: germline.

Blueprint Genetics
Classification: Benign. Last evaluated: 2024-11-08. Review status: criteria provided, single submitter. Criteria: ACMG Guidelines, 2015. Collection method: clinical testing. Allele origin: germline.

NM_001451.3(FOXF1):c.827C>T (p.Ala276Val)

Gene: FOXF1 (forkhead box F1; plus strand). Cytogenetic location: 16q24.1.
Variant type: single nucleotide variant.
Coding change: c.827C>T on transcript NM_001451.3 (MANE Select); coding-DNA position 827, C replaced by T.
Protein change: p.Ala276Val; replaces alanine 276 with valine.
Molecular consequence: missense variant.
Genome position (GRCh38, 1-based): chr16:86,511,396, C>T. VCF-style: chr16-86511396-C-T. GRCh37 (hg19) VCF-style: chr16-86545002-C-T.
Other names: short protein forms A276V.
Identifiers: ClinVar variation 4754346 (VCV004754346.3).